The following is an entry in ClinVar:

ClinVar aggregate classification (germline): Benign. Review status: criteria provided, multiple submitters, no conflicts (2 of 4 stars). 2 submissions from 2 submitters: Benign (2). Last evaluated 2025-07-18.

Conditions:
Ehlers-Danlos syndrome, classic type, 1 (EDSCL1). Also called: EDS I; Ehlers-Danlos syndrome, type 1; EHLERS-DANLOS SYNDROME, GRAVIS TYPE; EHLERS-DANLOS SYNDROME, SEVERE CLASSIC TYPE; Ehlers-Danlos Syndrome, Classic Type, COL5A1-Related. Identifiers: MedGen C0268335, MONDO:0019567, OMIM 130000.

Submissions (2):

Women's Health and Genetics/Laboratory Corporation of America, LabCorp
Classification: Benign. Last evaluated: 2025-07-18. Review status: criteria provided, single submitter. Criteria: LabCorp Variant Classification Summary - May 2015. Collection method: clinical testing. Allele origin: germline.
Comment: Variant summary: COL5A2 c.3310-19dupT alters a conserved nucleotide located at a position not widely known to affect splicing. Consensus agreement among computation tools predict no significant impact on normal splicing. However, these predictions have yet to be confirmed by functional studies. The variant allele was found at a frequency of 9.2e-05 in 229482 control chromosomes. The observed variant frequency is approximately 15 fold of the estimated maximal expected allele frequency for a pathogenic variant in COL5A2 causing Ehlers-Danlos Syndrome phenotype (6.3e-06). To our knowledge, no occurrence of c.3310-19dupT in individuals affected with Ehlers-Danlos Syndrome and no experimental evidence demonstrating its impact on protein function have been reported. ClinVar contains an entry for this variant (Variation ID: 1660760). Based on the evidence outlined above, the variant was classified as benign.

Labcorp Genetics (formerly Invitae), Labcorp
Classification: Benign for Ehlers-Danlos syndrome, classic type, 1. Last evaluated: 2025-05-13. Review status: criteria provided, single submitter. Criteria: Invitae Variant Classification Sherloc (09022015). Collection method: clinical testing. Allele origin: germline.

NM_000393.5(COL5A2):c.3310-19dup

Gene: COL5A2 (collagen type V alpha 2 chain; minus strand). Cytogenetic location: 2q32.2.
Variant type: Duplication.
Coding change: c.3310-19dup on transcript NM_000393.5 (MANE Select); 19 bases into the intron before coding-DNA position 3310, one base duplicated (T; older notation c.3310-19dupT).
Molecular consequence: intron variant.
Genome position (GRCh38, 1-based): chr2:189,045,251, A duplicated on the plus strand (T on the coding strand, the reverse complement: COL5A2 is on the minus strand); the first of 8 consecutive A bases (chr2:189,045,251-189,045,258); duplicating any one gives the same sequence. VCF-style (leftmost placement, unchanged base first): chr2-189045250-C-CA. GRCh37 (hg19) VCF-style: chr2-189909976-C-CA.
Other names: c.3310-19dupT (NM_000393.5).
Identifiers: ClinVar variation 1660760 (VCV001660760.9), dbSNP rs767565265, ClinGen allele CA2022041.